The following is an entry in ClinVar:

ClinVar aggregate classification (germline): Uncertain significance. Review status: criteria provided, multiple submitters, no conflicts (2 of 4 stars). 2 submissions from 2 submitters: Uncertain significance (2). Last evaluated 2023-07-14.

Conditions:
Kufor-Rakeb syndrome (KRS). Also called: PARKINSON DISEASE 9, AUTOSOMAL RECESSIVE, JUVENILE-ONSET. Identifiers: Orphanet 306674, Orphanet 314632, MedGen C1847640, MONDO:0011706, OMIM 606693.
Autosomal recessive spastic paraplegia type 78. Identifiers: Orphanet 513436, MedGen C5567893, MONDO:0014975, OMIM 617225.
Inborn genetic diseases. Identifiers: MedGen C0950123, MeSH D030342.

Allele frequency attached by ClinVar (database versions not stated): gnomAD exomes 0.00002 and 0.00004; gnomAD 0.00004 and 0.00005; TOPMed 0.00004.
gnomAD v4.1: 33 of 1,590,754 alleles (0.0021%); highest among the groups gnomAD compares: African/African-American, 0.0067%; 1 homozygote.

Submissions (2):

Labcorp Genetics (formerly Invitae), Labcorp
Classification: Uncertain significance for Kufor-Rakeb syndrome; Autosomal recessive spastic paraplegia type 78. Last evaluated: 2023-07-14. Review status: criteria provided, single submitter. Criteria: Invitae Variant Classification Sherloc (09022015). Collection method: clinical testing. Allele origin: germline.
Comment: This sequence change replaces arginine, which is basic and polar, with cysteine, which is neutral and slightly polar, at codon 544 of the ATP13A2 protein (p.Arg544Cys). The frequency data for this variant in the population databases is considered unreliable, as metrics indicate poor data quality at this position in the gnomAD database. This variant has not been reported in the literature in individuals affected with ATP13A2-related conditions. ClinVar contains an entry for this variant (Variation ID: 578934). Advanced modeling of protein sequence and biophysical properties (such as structural, functional, and spatial information, amino acid conservation, physicochemical variation, residue mobility, and thermodynamic stability) performed at Invitae indicates that this missense variant is not expected to disrupt ATP13A2 protein function. In summary, the available evidence is currently insufficient to determine the role of this variant in disease. Therefore, it has been classified as a Variant of Uncertain Significance.

Ambry Genetics
Classification: Uncertain significance for Inborn genetic diseases. Last evaluated: 2022-04-07. Review status: criteria provided, single submitter. Criteria: Ambry Variant Classification Scheme 2023. Collection method: clinical testing. Allele origin: germline.

NM_022089.4(ATP13A2):c.1630C>T (p.Arg544Cys)

Gene: ATP13A2 (ATPase cation transporting 13A2; minus strand). Cytogenetic location: 1p36.13.
Variant type: single nucleotide variant.
Coding change: c.1630C>T on transcript NM_022089.4 (MANE Select); coding-DNA position 1630, C replaced by T.
Protein change: p.Arg544Cys; replaces arginine 544 with cysteine.
Molecular consequence: missense variant.
Genome position (GRCh38, 1-based): chr1:16,993,748, G>A on the plus strand (C>T on the coding strand, the complement: ATP13A2 is on the minus strand). VCF-style: chr1-16993748-G-A. GRCh37 (hg19) VCF-style: chr1-17320243-G-A.
Other names: c.1615C>T, p.Arg539Cys (NM_001141973.3, NM_001141974.3); c.1630C>T (NM_022089.2); short protein forms R544C, R539C.
Identifiers: ClinVar variation 578934 (VCV000578934.7), dbSNP rs893985839, ClinGen allele CA18634766.